The following is an entry in ClinVar:

NM_000094.4(COL7A1):c.3025A>G (p.Ile1009Val)

Gene: COL7A1 (collagen type VII alpha 1 chain; minus strand). Cytogenetic location: 3p21.31.
Variant type: single nucleotide variant.
Coding change: c.3025A>G on transcript NM_000094.4 (MANE Select); coding-DNA position 3025, A replaced by G.
Protein change: p.Ile1009Val; replaces isoleucine 1009 with valine.
Molecular consequence: missense variant.
Genome position (GRCh38, 1-based): chr3:48,587,304, T>C on the plus strand (A>G on the coding strand, the complement: COL7A1 is on the minus strand). VCF-style: chr3-48587304-T-C. GRCh37 (hg19) VCF-style: chr3-48624737-T-C.
Other names: short protein forms I1009V.
Identifiers: ClinVar variation 2911900 (VCV002911900.3), dbSNP rs372678698, ClinGen allele CA73985889.

ClinVar aggregate classification (germline): Uncertain significance (1 of 4 stars; one submission).

Allele frequency attached by ClinVar (database versions not stated): gnomAD exomes below 0.00001; TOPMed 0.00001; ESP Exome Variant Server 0.00008.
gnomAD v4.1: 2 of 1,604,288 alleles (0.00012%); highest among the groups gnomAD compares: Non-Finnish European, 0.00017%; no homozygotes.

Submission:

Labcorp Genetics (formerly Invitae), Labcorp
Classification: Uncertain significance. Last evaluated: 2024-08-11. Review status: criteria provided, single submitter. Criteria: Invitae Variant Classification Sherloc (09022015). Collection method: clinical testing. Allele origin: germline.
Comment: This sequence change replaces isoleucine, which is neutral and non-polar, with valine, which is neutral and non-polar, at codon 1009 of the COL7A1 protein (p.Ile1009Val). This variant is not present in population databases (gnomAD no frequency). This variant has not been reported in the literature in individuals affected with COL7A1-related conditions. Advanced modeling of protein sequence and biophysical properties (such as structural, functional, and spatial information, amino acid conservation, physicochemical variation, residue mobility, and thermodynamic stability) performed at Invitae indicates that this missense variant is not expected to disrupt COL7A1 protein function with a negative predictive value of 95%. In summary, the available evidence is currently insufficient to determine the role of this variant in disease. Therefore, it has been classified as a Variant of Uncertain Significance.